The following is an entry in ClinVar:

ClinVar aggregate classification (germline): Uncertain significance. Review status: criteria provided, multiple submitters, no conflicts (2 of 4 stars). 2 submissions from 2 submitters: Uncertain significance (2). Last evaluated 2025-12-02.

Conditions:
Norman-Roberts syndrome (LIS2). Also called: Lissencephaly 2 (Norman-Roberts type). Identifiers: Orphanet 89844, MedGen C0796089, MONDO:0009760, OMIM 257320.
Familial temporal lobe epilepsy 7. Identifiers: Orphanet 101046, MedGen C4225327, MONDO:0014639, OMIM 616436.
Inborn genetic diseases. Identifiers: MedGen C0950123, MeSH D030342.

Allele frequency attached by ClinVar (database versions not stated): gnomAD exomes below 0.00001.
gnomAD v4.1: 1 of 1,614,220 alleles (0.000062%); highest among the groups gnomAD compares: African/African-American, 0.0013%; no homozygotes.

Submissions (2):

Ambry Genetics
Classification: Uncertain significance for Inborn genetic diseases. Last evaluated: 2025-12-02. Review status: criteria provided, single submitter. Criteria: Ambry Variant Classification Scheme 2023. Collection method: clinical testing. Allele origin: germline.

Labcorp Genetics (formerly Invitae), Labcorp
Classification: Uncertain significance for Familial temporal lobe epilepsy 7; Norman-Roberts syndrome. Last evaluated: 2023-10-08. Review status: criteria provided, single submitter. Criteria: Invitae Variant Classification Sherloc (09022015). Collection method: clinical testing. Allele origin: germline.
Comment: This sequence change replaces asparagine, which is neutral and polar, with histidine, which is basic and polar, at codon 2373 of the RELN protein (p.Asn2373His). This variant is not present in population databases (gnomAD no frequency). This variant has not been reported in the literature in individuals affected with RELN-related conditions. Advanced modeling of protein sequence and biophysical properties (such as structural, functional, and spatial information, amino acid conservation, physicochemical variation, residue mobility, and thermodynamic stability) performed at Invitae indicates that this missense variant is not expected to disrupt RELN protein function. In summary, the available evidence is currently insufficient to determine the role of this variant in disease. Therefore, it has been classified as a Variant of Uncertain Significance.

NM_005045.4(RELN):c.7117A>C (p.Asn2373His)

Gene: RELN (reelin; minus strand). Cytogenetic location: 7q22.1.
Variant type: single nucleotide variant.
Coding change: c.7117A>C on transcript NM_005045.4 (MANE Select); coding-DNA position 7117, A replaced by C.
Protein change: p.Asn2373His; replaces asparagine 2373 with histidine.
Molecular consequence: missense variant.
Genome position (GRCh38, 1-based): chr7:103,539,141, T>G on the plus strand (A>C on the coding strand, the complement: RELN is on the minus strand). VCF-style: chr7-103539141-T-G. GRCh37 (hg19) VCF-style: chr7-103179588-T-G.
Other names: c.7117A>C, p.Asn2373His (NM_173054.3); c.7117A>C (NM_005045.3); short protein forms N2373H.
Identifiers: ClinVar variation 2952674 (VCV002952674.4), dbSNP rs2484784695, ClinGen allele CA368769116.